The following is an entry in ClinVar:

NM_000059.4(BRCA2):c.8189C>G (p.Ala2730Gly)

Gene: BRCA2 (BRCA2 DNA repair associated; plus strand). Cytogenetic location: 13q13.1.
Variant type: single nucleotide variant.
Coding change: c.8189C>G on transcript NM_000059.4 (MANE Select); coding-DNA position 8189, C replaced by G.
Protein change: p.Ala2730Gly; replaces alanine 2730 with glycine.
Molecular consequence: missense variant.
Genome position (GRCh38, 1-based): chr13:32,363,391, C>G. VCF-style: chr13-32363391-C-G. GRCh37 (hg19) VCF-style: chr13-32937528-C-G.
Other names: short protein forms A2730G.
Identifiers: ClinVar variation 661444 (VCV000661444.15), dbSNP rs80359067, ClinGen allele CA387749682.

ClinVar aggregate classification (germline): Conflicting classifications of pathogenicity. Review status: criteria provided, conflicting classifications (1 of 4 stars). 4 submissions from 4 submitters: Uncertain significance (2); Likely benign (1). 1 of the submissions does not count toward it. Last evaluated 2025-05-16.

Conditions:
Hereditary cancer-predisposing syndrome. Also called: Neoplastic Syndromes, Hereditary; Tumor predisposition; Hereditary neoplastic syndrome; Hereditary Cancer Syndrome. Identifiers: Orphanet 140162, MedGen C0027672, MeSH D009386, MONDO:0015356.
Hereditary breast ovarian cancer syndrome. Also called: Hereditary breast and ovarian cancer syndrome (HBOC); Hereditary breast and ovarian cancer syndrome; Breast and ovarian cancer; Hereditary breast and ovarian cancer; Hereditary breast and/or ovarian cancer syndrome; BRCA1- and BRCA2-Associated Hereditary Breast and Ovarian Cancer. Identifiers: Orphanet 145, MedGen C0677776, MeSH D061325, MONDO:0003582. Disease mechanism: loss of function.
Malignant tumor of breast. Also called: Malignant breast neoplasm; Cancer breast. Identifiers: MedGen C0006142, MONDO:0007254. Disease mechanism: loss of function.

Submissions (4):

Ambry Genetics
Classification: Likely benign for Hereditary cancer-predisposing syndrome. Last evaluated: 2025-05-16. Review status: criteria provided, single submitter. Criteria: Ambry Variant Classification Scheme 2023. Collection method: clinical testing. Allele origin: germline.

Color Diagnostics, LLC DBA Color Health
Classification: Uncertain significance for Hereditary cancer-predisposing syndrome. Last evaluated: 2024-05-06. Review status: criteria provided, single submitter. Criteria: ACMG Guidelines, 2015. Collection method: clinical testing. Allele origin: germline.
Comment: This missense variant replaces alanine with glycine at codon 2730 of the BRCA2 protein. Computational prediction is inconclusive regarding the impact of this variant on protein structure and function. To our knowledge, functional studies have not been reported for this variant. This variant has been reported in an individual affected with breast cancer (PMID: 32885271). This variant has not been identified in the general population by the Genome Aggregation Database (gnomAD). The available evidence is insufficient to determine the role of this variant in disease conclusively. Therefore, this variant is classified as a Variant of Uncertain Significance.

Labcorp Genetics (formerly Invitae), Labcorp
Classification: Uncertain significance for Hereditary breast ovarian cancer syndrome. Last evaluated: 2022-10-30. Review status: criteria provided, single submitter. Criteria: Invitae Variant Classification Sherloc (09022015). Collection method: clinical testing. Allele origin: germline.
Comment: This variant has not been reported in the literature in individuals affected with BRCA2-related conditions. ClinVar contains an entry for this variant (Variation ID: 661444). Advanced modeling of protein sequence and biophysical properties (such as structural, functional, and spatial information, amino acid conservation, physicochemical variation, residue mobility, and thermodynamic stability) performed at Invitae indicates that this missense variant is not expected to disrupt BRCA2 protein function. In summary, the available evidence is currently insufficient to determine the role of this variant in disease. Therefore, it has been classified as a Variant of Uncertain Significance. This variant is not present in population databases (gnomAD no frequency). This sequence change replaces alanine, which is neutral and non-polar, with glycine, which is neutral and non-polar, at codon 2730 of the BRCA2 protein (p.Ala2730Gly).

Department of Pathology and Laboratory Medicine, Sinai Health System
Classification: Uncertain significance for Malignant tumor of breast. Review status: no assertion criteria provided. Collection method: clinical testing. Allele origin: unknown. Affected: yes. Study: The Canadian Open Genetics Repository (COGR). Not counted in ClinVar's aggregate classification.
Comment: The BRCA2 p.Ala2730Gly variant was not identified in the literature nor was it identified in dbSNP ClinVar, UMD-LSDB, Exome Aggregation Consortium (August 8th 2016) and the Genome Aggregation Database (Feb 27, 2017). The variant was identified in LOVD 3.0 (observed 1x). The p.Ala2730 residue is conserved in mammals and computational analyses (PolyPhen-2, SIFT, AlignGVGD, BLOSUM, MutationTaster) provide inconsistent predictions regarding the impact to the protein; this information is not very predictive of pathogenicity. The variant occurs outside of the splicing consensus sequence and 1 of 4 in silico or computational prediction software programs (SpliceSiteFinder, MaxEntScan, NNSPLICE, GeneSplicer) predict a greater than 10% difference in splicing; this is not very predictive of pathogenicity. In summary, based on the above information the clinical significance of this variant cannot be determined with certainty at this time. This variant is classified as a variant of uncertain significance.

Literature cited by the submitters: PubMed 32885271 (cited by Ambry Genetics and Color Diagnostics, LLC DBA Color Health).